The following is an entry in ClinVar:

ClinVar aggregate classification (germline): Uncertain significance (1 of 4 stars; one submission).

gnomAD v4.1: 6 of 1,614,166 alleles (0.00037%); highest among the groups gnomAD compares: African/African-American, 0.0027%; no homozygotes.

Submission:

Mayo Clinic Laboratories, Mayo Clinic
Classification: Uncertain significance. Last evaluated: 2024-09-30. Review status: criteria provided, single submitter. Criteria: ACMG Guidelines, 2015. Collection method: clinical testing. Allele origin: germline. Observed: 1 variant allele.
Comment: PM2_supporting

NM_138694.4(PKHD1):c.2252G>T (p.Gly751Val)

Gene: PKHD1 (PKHD1 ciliary IPT domain containing fibrocystin/polyductin; minus strand). Cytogenetic location: 6p12.2.
Variant type: single nucleotide variant.
Coding change: c.2252G>T on transcript NM_138694.4 (MANE Select); coding-DNA position 2252, G replaced by T.
Protein change: p.Gly751Val; replaces glycine 751 with valine.
Molecular consequence: missense variant.
Genome position (GRCh38, 1-based): chr6:52,050,184, C>A on the plus strand (G>T on the coding strand, the complement: PKHD1 is on the minus strand). VCF-style: chr6-52050184-C-A. GRCh37 (hg19) VCF-style: chr6-51914982-C-A.
Other names: p.Gly751Val; c.2252G>T, p.Gly751Val (NM_170724.3); short protein forms G751V.
Identifiers: ClinVar variation 4541169 (VCV004541169.1).